The following is an entry in ClinVar:

NM_002907.4(RECQL):c.338T>C (p.Met113Thr)

Gene: RECQL (RecQ like helicase; minus strand). Cytogenetic location: 12p12.1.
Variant type: single nucleotide variant.
Coding change: c.338T>C on transcript NM_002907.4 (MANE Select); coding-DNA position 338, T replaced by C.
Protein change: p.Met113Thr; replaces methionine 113 with threonine.
Molecular consequence: missense variant.
Genome position (GRCh38, 1-based): chr12:21,490,255, A>G on the plus strand (T>C on the coding strand, the complement: RECQL is on the minus strand). VCF-style: chr12-21490255-A-G. GRCh37 (hg19) VCF-style: chr12-21643189-A-G.
Other names: c.338T>C, p.Met113Thr (NM_032941.3); short protein forms M113T.
Identifiers: ClinVar variation 1034647 (VCV001034647.12), dbSNP rs759043067, ClinGen allele CA6479128.

ClinVar aggregate classification (germline): Uncertain significance. Review status: criteria provided, multiple submitters, no conflicts (2 of 4 stars). 2 submissions from 2 submitters: Uncertain significance (2). Last evaluated 2025-07-13.

Allele frequency attached by ClinVar (database versions not stated): TOPMed below 0.00001; ExAC 0.00001; gnomAD exomes 0.00001.

Submissions (2):

Ambry Genetics
Classification: Uncertain significance. Last evaluated: 2025-07-13. Review status: criteria provided, single submitter. Criteria: Ambry Variant Classification Scheme 2023. Collection method: clinical testing. Allele origin: germline.
Comment: The p.M113T variant (also known as c.338T>C), located in coding exon 3 of the RECQL gene, results from a T to C substitution at nucleotide position 338. The methionine at codon 113 is replaced by threonine, an amino acid with similar properties. This amino acid position is highly conserved in available vertebrate species. In addition, this alteration is predicted to be deleterious by in silico analysis. Since supporting evidence is limited at this time, the clinical significance of this alteration remains unclear.

Labcorp Genetics (formerly Invitae), Labcorp
Classification: Uncertain significance. Last evaluated: 2023-06-14. Review status: criteria provided, single submitter. Criteria: Invitae Variant Classification Sherloc (09022015). Collection method: clinical testing. Allele origin: germline.
Comment: This sequence change replaces methionine, which is neutral and non-polar, with threonine, which is neutral and polar, at codon 113 of the RECQL protein (p.Met113Thr). In summary, the available evidence is currently insufficient to determine the role of this variant in disease. Therefore, it has been classified as a Variant of Uncertain Significance. Advanced modeling of protein sequence and biophysical properties (such as structural, functional, and spatial information, amino acid conservation, physicochemical variation, residue mobility, and thermodynamic stability) performed at Invitae indicates that this missense variant is expected to disrupt RECQL protein function. ClinVar contains an entry for this variant (Variation ID: 1034647). This variant has not been reported in the literature in individuals affected with RECQL-related conditions. This variant is present in population databases (rs759043067, gnomAD 0.01%).